The following is an entry in ClinVar:

NC_000011.9:g.(?_47353422)_(47359150_?)dup

Gene: MYBPC3 (myosin binding protein C3; minus strand). Cytogenetic location: 11p11.2.
Variant type: Duplication.
Identifiers: ClinVar variation 2422687 (VCV002422687.4).

ClinVar aggregate classification (germline): Uncertain significance (1 of 4 stars; one submission).

Conditions:
Hypertrophic cardiomyopathy. Also called: HYPERTROPHIC MYOCARDIOPATHY. Identifiers: Orphanet 217569, MedGen C0007194, MeSH D002312, MONDO:0005045, HP:0001639.

Submission:

Labcorp Genetics (formerly Invitae), Labcorp
Classification: Uncertain significance for Hypertrophic cardiomyopathy. Last evaluated: 2023-08-01. Review status: criteria provided, single submitter. Criteria: Invitae Variant Classification Sherloc (09022015). Collection method: clinical testing. Allele origin: germline.
Comment: In summary, the available evidence is currently insufficient to determine the role of this variant in disease. Therefore, it has been classified as a Variant of Uncertain Significance. A similar copy number variant has been observed in individual(s) with dilated cardiomyopathy (Invitae). This variant results in a copy number gain of the genomic region encompassing exon(s) 25-34 of the MYBPC3 gene. This region includes the termination codon of the gene. This copy number gain extends beyond the assayed region for this gene and therefore may encompass additional genes. As the precise location of this event is unknown, it may be in tandem or it may be located elsewhere in the genome.